The following is an entry in ClinVar:

NM_153460.4(IL17RC):c.191C>T (p.Thr64Met)

Gene: IL17RC (interleukin 17 receptor C; plus strand). Cytogenetic location: 3p25.3.
Variant type: single nucleotide variant.
Coding change: c.191C>T on transcript NM_153460.4 (MANE Select); coding-DNA position 191, C replaced by T.
Protein change: p.Thr64Met; replaces threonine 64 with methionine.
Molecular consequence: missense variant. On other transcripts: non-coding transcript variant (1).
Genome position (GRCh38, 1-based): chr3:9,917,986, C>T. VCF-style: chr3-9917986-C-T. GRCh37 (hg19) VCF-style: chr3-9959670-C-T.
Other names: c.191C>T, p.Thr64Met (NM_001203263.2, NM_001203264.2, NM_001203265.2 and 4 more transcripts); c.404C>T, p.Thr135Met (NM_153461.4); short protein forms T135M, T64M.
Identifiers: ClinVar variation 579754 (VCV000579754.9), dbSNP rs143847085, ClinGen allele CA2246767.

ClinVar aggregate classification (germline): Uncertain significance. Review status: criteria provided, multiple submitters, no conflicts (2 of 4 stars). 2 submissions from 2 submitters: Uncertain significance (2). Last evaluated 2025-09-22.

Conditions:
Candidiasis, familial, 9 (CANDF9). Identifiers: Orphanet 1334, MedGen C4225324, MONDO:0014642, OMIM 616445.

Allele frequency attached by ClinVar (database versions not stated): TOPMed 0.00003; ExAC 0.00004; gnomAD 0.00004; gnomAD exomes 0.00005; ESP Exome Variant Server 0.00008.
gnomAD v4.1: 29 of 1,613,664 alleles (0.0018%); highest among the groups gnomAD compares: Admixed American, 0.028%; no homozygotes.

Submissions (2):

Ambry Genetics
Classification: Uncertain significance. Last evaluated: 2025-09-22. Review status: criteria provided, single submitter. Criteria: Ambry Variant Classification Scheme 2023. Collection method: clinical testing. Allele origin: germline.

Labcorp Genetics (formerly Invitae), Labcorp
Classification: Uncertain significance for Candidiasis, familial, 9. Last evaluated: 2024-09-19. Review status: criteria provided, single submitter. Criteria: Invitae Variant Classification Sherloc (09022015). Collection method: clinical testing. Allele origin: germline.
Comment: This sequence change replaces threonine, which is neutral and polar, with methionine, which is neutral and non-polar, at codon 135 of the IL17RC protein (p.Thr135Met). This variant is present in population databases (rs143847085, gnomAD 0.03%). This variant has not been reported in the literature in individuals affected with IL17RC-related conditions. ClinVar contains an entry for this variant (Variation ID: 579754). An algorithm developed to predict the effect of missense changes on protein structure and function (PolyPhen-2) suggests that this variant is likely to be disruptive. In summary, the available evidence is currently insufficient to determine the role of this variant in disease. Therefore, it has been classified as a Variant of Uncertain Significance.